The following is an entry in ClinVar:

ClinVar aggregate classification (germline): Uncertain significance. Review status: criteria provided, multiple submitters, no conflicts (2 of 4 stars). 5 submissions from 5 submitters: Uncertain significance (3). 2 of the submissions do not count toward it. Last evaluated 2026-01-01.

Conditions:
FG syndrome (FGS). Identifiers: MedGen C0220769, MONDO:0002010.
FG syndrome 1 (OKS). Also called: OPITZ-KAVEGGIA SYNDROME; KELLER SYNDROME; MENTAL RETARDATION, LARGE HEAD, IMPERFORATE ANUS, CONGENITAL HYPOTONIA, AND PARTIAL AGENESIS OF CORPUS CALLOSUM; FG Syndrome Type 1 (FGS1). Identifiers: Orphanet 93932, MedGen C5399762, MONDO:0010590, OMIM 305450.
Intellectual disability. Also called: Intellectual developmental disorder; Intellectual functioning disability; intellectual disabilities. Identifiers: MedGen C3714756, MeSH D008607, MONDO:0001071, HP:0001249.
Familial thoracic aortic aneurysm and aortic dissection (TAAD). Also called: Thoracic aortic aneurysms and dissections. Identifiers: Orphanet 91387, MedGen C4707243, MONDO:0019625.

Allele frequency attached by ClinVar (database versions not stated): TOPMed 0.00001.

Submissions (5):

CeGaT Center for Human Genetics Tuebingen
Classification: Uncertain significance. Last evaluated: 2026-01-01. Review status: criteria provided, single submitter. Criteria: CeGaT Center For Human Genetics Tuebingen Variant Classification Criteria Version 2. Collection method: clinical testing. Allele origin: germline. Affected: yes. Observed: 3 variant alleles.
Comment: MED12: PM2, PS4:Moderate

Labcorp Genetics (formerly Invitae), Labcorp
Classification: Uncertain significance for FG syndrome. Last evaluated: 2025-12-29. Review status: criteria provided, single submitter. Criteria: Invitae Variant Classification Sherloc (09022015). Collection method: clinical testing. Allele origin: germline.
Comment: This sequence change replaces glutamine, which is neutral and polar, with histidine, which is basic and polar, at codon 1974 of the MED12 protein (p.Gln1974His). This variant is not present in population databases (gnomAD no frequency). This missense change has been observed in individual(s) with non-syndromic intellectual disability (PMID: 26273451). ClinVar contains an entry for this variant (Variation ID: 252965). Invitae Evidence Modeling of protein sequence and biophysical properties (such as structural, functional, and spatial information, amino acid conservation, physicochemical variation, residue mobility, and thermodynamic stability) has been performed for this missense variant. However, the output from this modeling did not meet the statistical confidence thresholds required to predict the impact of this variant on MED12 protein function. Algorithms developed to predict the effect of sequence changes on RNA splicing suggest that this variant may create or strengthen a splice site. In summary, the available evidence is currently insufficient to determine the role of this variant in disease. Therefore, it has been classified as a Variant of Uncertain Significance.

Ambry Genetics
Classification: Uncertain significance for Familial thoracic aortic aneurysm and aortic dissection. Last evaluated: 2016-02-04. Review status: criteria provided, single submitter. Criteria: Ambry Variant Classification Scheme 2023. Collection method: clinical testing. Allele origin: germline.
Comment: The p.Q1974H variant (also known as c.5922G>T), located in coding exon 41 of the MED12 gene, results from a G to T substitution at nucleotide position 5922. The glutamine at codon 1974 is replaced by histidine, an amino acid with highly similar properties. In a family study, this variant was observed to co-segregate with another alteration in the OGT gene in three brothers with severe non-syndromic intellectual deficiency and mild dysmorphic features (Bouazzi H et al. Clin Case Rep. 2015;3(7):604-9). In the same study, this variant, but not the OGT alteration, was confirmed in their mother who was described to have language delays and no dysmorphic features. This variant was not reported in population based cohorts in the following databases: Database of Single Nucleotide Polymorphisms (dbSNP), NHLBI Exome Sequencing Project (ESP), and 1000 Genomes Project. In the ESP, this variant was not observed in 6230 samples with coverage at this position. This amino acid position is well conserved in available vertebrate species. In addition, this alteration is predicted to be tolerated by in silico analysis. Since supporting evidence is limited at this time, the clinical significance of this variant remains unclear.

Center for Medical Genetics and Molecular Medicine, Haukeland University Hospital
Classification: Benign for Intellectual disability. Last evaluated: 2017-12-06. Review status: no assertion criteria provided. Collection method: clinical testing. Allele origin: paternal. Inheritance: X-linked inheritance. Affected: no. Observed: 3 variant alleles, 1 heterozygote, 2 hemizygotes. Not counted in ClinVar's aggregate classification.

GeneReviews
No classification provided. Condition: FG syndrome. Review status: no classification provided. Collection method: literature only. Allele origin: germline. Not counted in ClinVar's aggregate classification.
Comment: Reported in male sibs with nonspecific intellectual disability

Literature cited by the submitters: PubMed 26273451 (cited by 3 submitters); PubMed 20301719 (cited by GeneReviews).

NM_005120.3(MED12):c.5922G>T (p.Gln1974His)

Gene: MED12 (mediator complex subunit 12; plus strand). Cytogenetic location: Xq13.1.
Variant type: single nucleotide variant.
Coding change: c.5922G>T on transcript NM_005120.3 (MANE Select); coding-DNA position 5922, G replaced by T.
Protein change: p.Gln1974His; replaces glutamine 1974 with histidine.
Molecular consequence: missense variant.
Genome position (GRCh38, 1-based): chrX:71,137,821, G>T. VCF-style: chrX-71137821-G-T. GRCh37 (hg19) VCF-style: chrX-70357671-G-T.
Other names: short protein forms Q1974H.
Identifiers: ClinVar variation 252965 (VCV000252965.53), dbSNP rs879255528, ClinGen allele CA10586141.